The following is an entry in ClinVar:

NM_001111125.3(IQSEC2):c.3880C>A (p.Pro1294Thr)

Gene: IQSEC2 (IQ motif and Sec7 domain ArfGEF 2; minus strand). Cytogenetic location: Xp11.22.
Variant type: single nucleotide variant.
Coding change: c.3880C>A on transcript NM_001111125.3 (MANE Select); coding-DNA position 3880, C replaced by A.
Protein change: p.Pro1294Thr; replaces proline 1294 with threonine.
Molecular consequence: missense variant. On other transcripts: 3 prime UTR variant (1).
Genome position (GRCh38, 1-based): chrX:53,234,806, G>T on the plus strand (C>A on the coding strand, the complement: IQSEC2 is on the minus strand). VCF-style: chrX-53234806-G-T. GRCh37 (hg19) VCF-style: chrX-53263988-G-T.
Other names: c.*365C>A (NM_015075.2); short protein forms P1294T.
Identifiers: ClinVar variation 450292 (VCV000450292.15), dbSNP rs782559635, ClinGen allele CA10419773.
Genomic context (GRCh38, chrX:53,234,806, plus strand): 5'-GGGCTGAGGCGGGAGGCGGTGGAATGGAGCCCAGCTGGGGCAAGGGTGGGGGCTGCTGGG[G>T]AGGTGGGGGAAGAGAGGGCTGCTGGGGTGGGAGGTAGGGTGGCGGGGCAGGGCCCGGTCC-3'
Protein context (NP_001104595.1, residues 1284-1304): PPQQPSLPPP[Pro1294Thr]QQPPPLPQLG

ClinVar aggregate classification (germline): Conflicting classifications of pathogenicity. Review status: criteria provided, conflicting classifications (1 of 4 stars). 3 submissions from 3 submitters: Uncertain significance (2); Likely benign (1). Last evaluated 2024-11-18.

Conditions:
Intellectual developmental disorder, X-linked 1. Also called: Intellectual disability, X-linked 1; Atkin Flaitz Patil Smith syndrome; MENTAL RETARDATION, X-LINKED 18; MENTAL RETARDATION, X-LINKED 78. Identifiers: Orphanet 777, MedGen C2931498, MONDO:0010656, OMIM 309530.
Inborn genetic diseases. Identifiers: MedGen C0950123, MeSH D030342.

Allele frequency attached by ClinVar (database versions not stated): ExAC below 0.00001; gnomAD 0.00002; gnomAD exomes 0.00004 and 0.00001.
gnomAD v4.1: 40 of 1,079,564 alleles (0.0037%); highest among the groups gnomAD compares: Non-Finnish European, 0.0047%; no homozygotes.

Submissions (3):

Labcorp Genetics (formerly Invitae), Labcorp
Classification: Likely benign for Intellectual developmental disorder, X-linked 1. Last evaluated: 2024-11-18. Review status: criteria provided, single submitter. Criteria: Invitae Variant Classification Sherloc (09022015). Collection method: clinical testing. Allele origin: germline.

Ambry Genetics
Classification: Uncertain significance for Inborn genetic diseases. Last evaluated: 2019-05-02. Review status: criteria provided, single submitter. Criteria: Ambry exome assertion method (8-5-2015). Collection method: clinical testing. Allele origin: germline. Affected: yes. Observed: 1 variant allele.

GeneDx
Classification: Uncertain significance. Last evaluated: 2018-08-09. Review status: criteria provided, single submitter. Criteria: GeneDx Variant Classification (06012015). Collection method: clinical testing. Allele origin: germline. Affected: yes.
Comment: A variant of uncertain significance has been identified in the IQSEC2 gene. The P1294T variant has not been published as a pathogenic variant, nor has it been reported as a benign variant to our knowledge. This variant is observed in 1/23894 (0.004%) alleles from individuals of European background in large population cohorts (Lek et al., 2016). The P1294T variant is a non-conservative amino acid substitution, which is likely to impact secondary protein structure as these residues differ in polarity, charge, size and/or other properties. However, in-silico analyses, including protein predictors and evolutionary conservation, support that this variant does not alter protein structure/function. Therefore, based on the currently available information, it is unclear whether this variant is a pathogenic variant or a rare benign variant.